The following is an entry in ClinVar:

ClinVar aggregate classification (germline): Uncertain significance. Review status: criteria provided, multiple submitters, no conflicts (2 of 4 stars). 5 submissions from 5 submitters: Uncertain significance (4). 1 of the submissions does not count toward it. Last evaluated 2025-07-29.

Conditions:
Cardiovascular phenotype. Identifiers: MedGen CN230736.
Alstrom syndrome (ALMS). Identifiers: Orphanet 64, MedGen C0268425, MONDO:0008763, OMIM 203800.

Allele frequency attached by ClinVar (database versions not stated): gnomAD 0.00001 and 0.00002; gnomAD exomes 0.00002 and 0.00004; TOPMed 0.00002; ExAC 0.00003; 1000 Genomes Project 0.00020.
gnomAD v4.1: 60 of 1,614,104 alleles (0.0037%); highest among the groups gnomAD compares: South Asian, 0.012%; no homozygotes.

Submissions (5):

Ambry Genetics
Classification: Uncertain significance for Cardiovascular phenotype. Last evaluated: 2025-07-29. Review status: criteria provided, single submitter. Criteria: Ambry Variant Classification Scheme 2023. Collection method: clinical testing. Allele origin: germline.
Comment: The p.R2886Q variant (also known as c.8657G>A), located in coding exon 10 of the ALMS1 gene, results from a G to A substitution at nucleotide position 8657. The arginine at codon 2886 is replaced by glutamine, an amino acid with highly similar properties. This amino acid position is not well conserved in available vertebrate species. In addition, this alteration is predicted to be tolerated by in silico analysis. Based on the available evidence, the clinical significance of this variant remains unclear.

GeneDx
Classification: Uncertain significance. Last evaluated: 2024-08-22. Review status: criteria provided, single submitter. Criteria: GeneDx Variant Classification Process June 2021. Collection method: clinical testing. Allele origin: germline. Affected: yes.
Comment: Not observed at significant frequency in large population cohorts (gnomAD); In silico analysis indicates that this missense variant does not alter protein structure/function; Has not been previously published as pathogenic or benign to our knowledge

Fulgent Genetics
Classification: Uncertain significance for Alstrom syndrome. Last evaluated: 2021-12-24. Review status: criteria provided, single submitter. Criteria: ACMG Guidelines, 2015. Collection method: clinical testing. Allele origin: unknown.

Labcorp Genetics (formerly Invitae), Labcorp
Classification: Uncertain significance for Alstrom syndrome. Last evaluated: 2021-02-25. Review status: criteria provided, single submitter. Criteria: Invitae Variant Classification Sherloc (09022015). Collection method: clinical testing. Allele origin: germline.
Comment: This sequence change replaces arginine with glutamine at codon moderately conserved and there is a small physicochemical difference between arginine and glutamine. This variant is present in population databases (rs185447739, ExAC 0.01%). This variant has not been reported in the literature in individuals with ALMS1-related conditions. ClinVar contains an entry for this variant (Variation ID: 555155). Experimental studies and prediction algorithms are not available or were not evaluated, and the functional significance of this variant is currently unknown. In summary, the available evidence is currently insufficient to determine the role of this variant in disease. Therefore, it has been classified as a Variant of Uncertain Significance.

Counsyl
Classification: Uncertain significance for Alstrom syndrome. Last evaluated: 2017-11-20. Review status: no assertion criteria provided. Collection method: clinical testing. Allele origin: unknown. Not counted in ClinVar's aggregate classification.

NM_001378454.1(ALMS1):c.8654G>A (p.Arg2885Gln)

Gene: ALMS1 (ALMS1 centrosome and basal body associated protein; plus strand). Cytogenetic location: 2p13.1.
Variant type: single nucleotide variant.
Coding change: c.8654G>A on transcript NM_001378454.1 (MANE Select); coding-DNA position 8654, G replaced by A.
Protein change: p.Arg2885Gln; replaces arginine 2885 with glutamine.
Molecular consequence: missense variant.
Genome position (GRCh38, 1-based): chr2:73,490,613, G>A. VCF-style: chr2-73490613-G-A. GRCh37 (hg19) VCF-style: chr2-73717740-G-A.
Other names: c.8657G>A, p.Arg2886Gln (NM_015120.4); short protein forms R2886Q, R2885Q.
Identifiers: ClinVar variation 555155 (VCV000555155.7), dbSNP rs185447739, ClinGen allele CA1714511.